The following is an entry in ClinVar:

ClinVar aggregate classification (germline): Likely benign (0 of 4 stars; one submission).

Conditions:
TAOK1-related disorder. Also called: TAOK1-related condition.

Allele frequency attached by ClinVar (database versions not stated): ExAC 0.00005; gnomAD 0.00011; TOPMed 0.00014; ESP Exome Variant Server 0.00031.
gnomAD v4.1: 41 of 1,614,134 alleles (0.0025%); highest among the groups gnomAD compares: African/African-American, 0.053%; no homozygotes.

Submission:

PreventionGenetics, part of Exact Sciences
Classification: Likely benign for TAOK1-related condition. Last evaluated: 2023-12-11. Review status: no assertion criteria provided. Collection method: clinical testing. Allele origin: germline.
Comment: This variant is classified as likely benign based on ACMG/AMP sequence variant interpretation guidelines (Richards et al. 2015 PMID: 25741868, with internal and published modifications).

NM_020791.4(TAOK1):c.2628A>G (p.Glu876=)

Gene: TAOK1 (TAO kinase 1; plus strand). Cytogenetic location: 17q11.2.
Variant type: single nucleotide variant.
Coding change: c.2628A>G on transcript NM_020791.4 (MANE Select); coding-DNA position 2628, A replaced by G.
Protein change: p.Glu876=; no amino-acid change (glutamic acid 876 retained).
Molecular consequence: synonymous variant.
Genome position (GRCh38, 1-based): chr17:29,542,644, A>G. VCF-style: chr17-29542644-A-G. GRCh37 (hg19) VCF-style: chr17-27869662-A-G.
Other names: c.2184A>G, p.Glu728= (NM_025142.1).
Identifiers: ClinVar variation 3047172 (VCV003047172.2), dbSNP rs144035845, ClinGen allele CA8474899.